The following is an entry in ClinVar:

ClinVar aggregate classification (germline): Uncertain significance (1 of 4 stars; one submission).

Conditions:
Hereditary cancer-predisposing syndrome. Also called: Hereditary Cancer Syndrome; Hereditary neoplastic syndrome; Neoplastic Syndromes, Hereditary; Tumor predisposition. Identifiers: Orphanet 140162, MedGen C0027672, MeSH D009386, MONDO:0015356.

gnomAD v4.1: 7 of 1,611,732 alleles (0.00043%); highest among the groups gnomAD compares: Non-Finnish European, 0.00059%; no homozygotes.

Submission:

Ambry Genetics
Classification: Uncertain significance for Hereditary cancer-predisposing syndrome. Last evaluated: 2025-08-12. Review status: criteria provided, single submitter. Criteria: Ambry Variant Classification Scheme 2023. Collection method: clinical testing. Allele origin: germline.
Comment: The p.E210Q variant (also known as c.628G>C), located in coding exon 4 of the NTHL1 gene, results from a G to C substitution at nucleotide position 628. The glutamic acid at codon 210 is replaced by glutamine, an amino acid with highly similar properties. This amino acid position is not well conserved in available vertebrate species. In addition, this alteration is predicted to be tolerated by in silico analysis. Since supporting evidence is limited at this time, the clinical significance of this alteration remains unclear.

NM_002528.7(NTHL1):c.604G>C (p.Glu202Gln)

Gene: NTHL1 (nth like DNA glycosylase 1; minus strand). Cytogenetic location: 16p13.3.
Variant type: single nucleotide variant.
Coding change: c.604G>C on transcript NM_002528.7 (MANE Select); coding-DNA position 604, G replaced by C.
Protein change: p.Glu202Gln; replaces glutamic acid 202 with glutamine.
Molecular consequence: missense variant.
Genome position (GRCh38, 1-based): chr16:2,043,648, C>G on the plus strand (G>C on the coding strand, the complement: NTHL1 is on the minus strand). VCF-style: chr16-2043648-C-G. GRCh37 (hg19) VCF-style: chr16-2093649-C-G.
Other names: c.433G>C, p.Glu145Gln (NM_001318193.2); c.274G>C, p.Glu92Gln (NM_001318194.2); short protein forms E145Q, E92Q, E202Q.
Identifiers: ClinVar variation 1752656 (VCV001752656.3), dbSNP rs919177150, ClinGen allele CA394291628.